The following is an entry in ClinVar:

ClinVar aggregate classification (germline): Uncertain significance. Review status: criteria provided, multiple submitters, no conflicts (2 of 4 stars). 5 submissions from 5 submitters: Uncertain significance (5). Last evaluated 2024-08-07.

Conditions:
HYPERHOMOCYSTEINEMIA, THROMBOTIC, CBS-RELATED. Identifiers: MedGen C3150344, OMIM 236200.
Classic homocystinuria. Also called: Homocystinuria due to CBS deficiency; Cystathionine beta-synthase deficiency; CBS deficiency; HOMOCYSTINURIA WITH OR WITHOUT RESPONSE TO PYRIDOXINE; Homocystinuria due to Cystathionine Beta-Synthase Deficiency. Identifiers: Orphanet 394, MedGen C0751202, MONDO:0009352, OMIM 236200.

Allele frequency attached by ClinVar (database versions not stated): gnomAD exomes 0.00004; ExAC 0.00009.

Submissions (5):

Blueprint Genetics
Classification: Uncertain significance. Last evaluated: 2024-08-07. Review status: criteria provided, single submitter. Criteria: ACMG Guidelines, 2015. Collection method: clinical testing. Allele origin: germline.

Baylor Genetics
Classification: Uncertain significance for Classic homocystinuria. Last evaluated: 2024-02-20. Review status: criteria provided, single submitter. Criteria: ACMG Guidelines, 2015. Collection method: clinical testing. Allele origin: unknown.

Labcorp Genetics (formerly Invitae), Labcorp
Classification: Uncertain significance for HYPERHOMOCYSTEINEMIA, THROMBOTIC, CBS-RELATED. Last evaluated: 2022-07-21. Review status: criteria provided, single submitter. Criteria: Invitae Variant Classification Sherloc (09022015). Collection method: clinical testing. Allele origin: germline.
Comment: This sequence change replaces serine, which is neutral and polar, with leucine, which is neutral and non-polar, at codon 500 of the CBS protein (p.Ser500Leu). The frequency data for this variant in the population databases is considered unreliable, as metrics indicate poor data quality at this position in the gnomAD database. This missense change has been observed in individual(s) with homocystinuria (PMID: 23974653). ClinVar contains an entry for this variant (Variation ID: 1301394). Algorithms developed to predict the effect of missense changes on protein structure and function are either unavailable or do not agree on the potential impact of this missense change (SIFT: "Deleterious"; PolyPhen-2: "Benign"; Align-GVGD: "Class C0"). Experimental studies have shown that this missense change affects CBS function (PMID: 23974653, 25044645). In summary, the available evidence is currently insufficient to determine the role of this variant in disease. Therefore, it has been classified as a Variant of Uncertain Significance.

Fulgent Genetics
Classification: Uncertain significance for Classic homocystinuria. Last evaluated: 2022-01-07. Review status: criteria provided, single submitter. Criteria: ACMG Guidelines, 2015. Collection method: clinical testing. Allele origin: unknown.

Women's Health and Genetics/Laboratory Corporation of America, LabCorp
Classification: Uncertain significance. Last evaluated: 2021-09-09. Review status: criteria provided, single submitter. Criteria: LabCorp Variant Classification Summary - May 2015. Collection method: clinical testing. Allele origin: germline.
Comment: Variant summary: CBS c.1499C>T (p.Ser500Leu) results in a non-conservative amino acid change in the encoded protein sequence. Four of five in-silico tools predict a damaging effect of the variant on protein function. The variant allele was found at a frequency of 3.7e-05 in 160470 control chromosomes. c.1499C>T has been reported in the literature in an individual affected with Homocystinuria in the compound heterozygous state (Mendes_2013). In functional studies, the variant has been reported as having high expression levels and enzymatic activies in the range of wild-type protein, however showed a reduced response to SAM, which has been reported to be a cause of CBS dysfunction in homocystinuria patients (Mendes_2013, Mendes_2014). No clinical diagnostic laboratories have submitted clinical-significance assessments for this variant to ClinVar after 2014. Based on the evidence outlined above, the variant was classified as VUS-possibly pathogenic.

Literature cited by the submitters: PubMed 23974653 (cited by Labcorp Genetics (formerly Invitae), Labcorp and Women's Health and Genetics/Laboratory Corporation of America, LabCorp); PubMed 25044645 (cited by Labcorp Genetics (formerly Invitae), Labcorp and Women's Health and Genetics/Laboratory Corporation of America, LabCorp).

NM_000071.3(CBS):c.1499C>T (p.Ser500Leu)

Gene: CBS (cystathionine beta-synthase; minus strand). Cytogenetic location: 21q22.3.
Variant type: single nucleotide variant.
Coding change: c.1499C>T on transcript NM_000071.3 (MANE Select); coding-DNA position 1499, C replaced by T.
Protein change: p.Ser500Leu; replaces serine 500 with leucine.
Molecular consequence: missense variant.
Genome position (GRCh38, 1-based): chr21:43,056,856, G>A on the plus strand (C>T on the coding strand, the complement: CBS is on the minus strand). VCF-style: chr21-43056856-G-A. GRCh37 (hg19) VCF-style: chr21-44476966-G-A.
Other names: c.1499C>T, p.Ser500Leu (NM_001178008.3, NM_001178009.3, NM_001320298.2); c.1184C>T, p.Ser395Leu (NM_001321072.1); short protein forms S395L, S500L.
Identifiers: ClinVar variation 1301394 (VCV001301394.7), dbSNP rs755106884, ClinGen allele CA321686665.
Genomic context (GRCh38, chr21:43,056,856, plus strand): 5'-CACTCACACTGGATCTGCTCGTGCACCACCAGGGCGAAGTGGTCCATCTCCAGGATGTGC[G>A]AGAGCCTGCCCAGCGTGTCCGTGAGGCGGATCTGCAAGGGAAGCGTGGTCAGTGGCAGGG-3'
Protein context (NP_000062.1, residues 490-510): IRLTDTLGRL[Ser500Leu]HILEMDHFAL